The following is an entry in ClinVar:

NM_005751.5(AKAP9):c.3956T>A (p.Val1319Asp)

Gene: AKAP9 (A-kinase anchoring protein 9; plus strand). Cytogenetic location: 7q21.2.
Variant type: single nucleotide variant.
Coding change: c.3956T>A on transcript NM_005751.5 (MANE Select); coding-DNA position 3956, T replaced by A.
Protein change: p.Val1319Asp; replaces valine 1319 with aspartic acid.
Molecular consequence: missense variant.
Genome position (GRCh38, 1-based): chr7:92,022,817, T>A. VCF-style: chr7-92022817-T-A. GRCh37 (hg19) VCF-style: chr7-91652131-T-A.
Other names: c.3956T>A, p.Val1319Asp (NM_147185.3); short protein forms V1319D.
Identifiers: ClinVar variation 4747591 (VCV004747591.1).

ClinVar aggregate classification (germline): Uncertain significance (1 of 4 stars; one submission).

Conditions:
Long QT syndrome (LQTS). Identifiers: MedGen C0023976, MeSH D008133, MONDO:0002442. Disease mechanism: loss of function. Inheritance: Various modes of inheritance.

gnomAD v4.1: 1 of 1,578,826 alleles (0.000063%); highest among the groups gnomAD compares: African/African-American, 0.0014%; no homozygotes.

Submission:

Labcorp Genetics (formerly Invitae), Labcorp
Classification: Uncertain significance for Long QT syndrome. Last evaluated: 2025-11-11. Review status: criteria provided, single submitter. Criteria: Invitae Variant Classification Sherloc (09022015). Collection method: clinical testing. Allele origin: germline.
Comment: This sequence change replaces valine, which is neutral and non-polar, with aspartic acid, which is acidic and polar, at codon 1319 of the AKAP9 protein (p.Val1319Asp). This variant is not present in population databases (gnomAD no frequency). This variant has not been reported in the literature in individuals affected with AKAP9-related conditions. An algorithm developed to predict the effect of missense changes on protein structure and function (PolyPhen-2) suggests that this variant is likely to be tolerated. In summary, the available evidence is currently insufficient to determine the role of this variant in disease. Therefore, it has been classified as a Variant of Uncertain Significance.